The following is an entry in ClinVar:

ClinVar aggregate classification (germline): Uncertain significance (1 of 4 stars; one submission).

Conditions:
Nemaline myopathy 5 (NEM5A). Also called: NEMALINE MYOPATHY, AMISH TYPE; Nemaline myopathy 5, Amish type; NEMALINE MYOPATHY 5A, AUTOSOMAL RECESSIVE, SEVERE INFANTILE. Identifiers: Orphanet 98902, MedGen C1854380, MONDO:0011539, OMIM 605355.

Submission:

Labcorp Genetics (formerly Invitae), Labcorp
Classification: Uncertain significance for Nemaline myopathy 5. Last evaluated: 2022-05-03. Review status: criteria provided, single submitter. Criteria: Invitae Variant Classification Sherloc (09022015). Collection method: clinical testing. Allele origin: germline.
Comment: In summary, the available evidence is currently insufficient to determine the role of this variant in disease. Therefore, it has been classified as a Variant of Uncertain Significance. Variants that disrupt the consensus splice site are a relatively common cause of aberrant splicing (PMID: 17576681, 9536098). Algorithms developed to predict the effect of sequence changes on RNA splicing suggest that this variant may disrupt the consensus splice site. This sequence change falls in intron 9 of the TNNT1 gene. It does not directly change the encoded amino acid sequence of the TNNT1 protein. It affects a nucleotide within the consensus splice site. This variant has not been reported in the literature in individuals affected with TNNT1-related conditions. This variant is not present in population databases (gnomAD no frequency).

Literature cited by the submitters: PubMed 17576681; PubMed 9536098.

NM_003283.6(TNNT1):c.388-3C>G

Gene: TNNT1 (troponin T1, slow skeletal type; minus strand). Cytogenetic location: 19q13.42.
Variant type: single nucleotide variant.
Coding change: c.388-3C>G on transcript NM_003283.6 (MANE Select); 3 bases into the intron before coding-DNA position 388, C replaced by G.
Molecular consequence: intron variant.
Genome position (GRCh38, 1-based): chr19:55,138,077, G>C on the plus strand (C>G on the coding strand, the complement: TNNT1 is on the minus strand). VCF-style: chr19-55138077-G-C. GRCh37 (hg19) VCF-style: chr19-55649445-G-C.
Other names: c.355-3C>G (NM_001126133.3, NM_001291774.2); c.388-3C>G (NM_001126132.3).
Identifiers: ClinVar variation 2132700 (VCV002132700.4), dbSNP rs2515430061, ClinGen allele CA2580097809.